The following is an entry in ClinVar:

NM_000264.5(PTCH1):c.-24GGC[8]

Genes: PTCH1 (patched 1; minus strand), LOC130002133 (ATAC-STARR-seq lymphoblastoid silent region 20071; plus strand). Cytogenetic location: 9q22.32.
Variant type: Microsatellite.
Coding change: c.-24GGC[8] on transcript NM_000264.5 (MANE Select); eight copies in a row of the 3-base unit GGC starting at c.-24; the reference has seven copies in a row; one copy, 3 bases duplicated.
Molecular consequence: 5 prime UTR variant. On other transcripts: non-coding transcript variant (1), intron variant (3).
Genome position (GRCh38, 1-based): chr9:95,508,365-95,508,367, GCC duplicated on the plus strand (GGC on the coding strand, the reverse complement: PTCH1 is on the minus strand); duplicating any 3 consecutive bases within chr9:95,508,365-95,508,387 gives the same sequence; the position shown is the placement nearest the transcript's 3' end. VCF-style (leftmost placement, unchanged base first): chr9-95508364-T-TGCC. GRCh37 (hg19) VCF-style: chr9-98270646-T-TGCC.
Other names: c.199-1768_199-1766dupGGC (NM_001083603.1); c.-6_-4dup (NM_000264.4, NM_000264.5); c.-24GGC[8] (NM_001354918.2); c.199-1786GGC[8] (NM_001083603.3); c.4-1786GGC[8] (NM_001083602.3, NM_001354919.2); c.4-1768_4-1766dupGGC (NM_001354919.1).
Identifiers: ClinVar variation 132684 (VCV000132684.25), dbSNP rs71366293, ClinGen allele CA331983.

ClinVar aggregate classification (germline): Benign. Review status: criteria provided, multiple submitters, no conflicts (2 of 4 stars). 13 submissions from 12 submitters: Benign (9). 4 of the submissions do not count toward it. Last evaluated 2025-11-24.

Conditions:
Hereditary cancer-predisposing syndrome. Also called: Hereditary neoplastic syndrome; Tumor predisposition; Neoplastic Syndromes, Hereditary; Hereditary Cancer Syndrome. Identifiers: Orphanet 140162, MedGen C0027672, MeSH D009386, MONDO:0015356.
Gorlin syndrome. Also called: Nevoid Basal Cell Carcinoma Syndrome; Basal cell nevus syndrome. Identifiers: Orphanet 377, MedGen C0004779, MONDO:0007187.
PTCH1-related disorder. Also called: PTCH1-related disorders; PTCH1-related condition.

Submissions (13):

Labcorp Genetics (formerly Invitae), Labcorp
Classification: Benign for Gorlin syndrome. Last evaluated: 2025-11-24. Review status: criteria provided, single submitter. Criteria: Invitae Variant Classification Sherloc (09022015). Collection method: clinical testing. Allele origin: germline.

Center for Genomic Medicine, Rigshospitalet, Copenhagen University Hospital
Classification: Benign. Last evaluated: 2025-03-04. Review status: criteria provided, single submitter. Criteria: ACMG Guidelines, 2015. Collection method: clinical testing. Allele origin: germline.

Blueprint Genetics
Classification: Benign. Last evaluated: 2024-11-27. Review status: criteria provided, single submitter. Criteria: ACMG Guidelines, 2015. Collection method: clinical testing. Allele origin: germline.

Mayo Clinic Laboratories, Mayo Clinic
Classification: Benign. Last evaluated: 2022-02-18. Review status: criteria provided, single submitter. Criteria: ACMG Guidelines, 2015. Collection method: clinical testing. Allele origin: germline. Observed: 102 variant alleles.

Quest Diagnostics Nichols Institute San Juan Capistrano
Classification: Benign. Last evaluated: 2021-05-24. Review status: criteria provided, single submitter. Criteria: Quest Diagnostics criteria. Collection method: clinical testing. Allele origin: unknown.

Ambry Genetics
Classification: Benign for Hereditary cancer-predisposing syndrome. Last evaluated: 2020-07-06. Review status: criteria provided, single submitter. Criteria: Ambry Variant Classification Scheme 2023. Collection method: clinical testing. Allele origin: germline.

Women's Health and Genetics/Laboratory Corporation of America, LabCorp
Classification: Benign. Last evaluated: 2016-08-30. Review status: criteria provided, single submitter. Criteria: LabCorp Variant Classification Summary - May 2015. Collection method: clinical testing. Allele origin: germline.
Comment: Variant summary: c.-6_-4dupGGC affects mildly conserved nucleotides, resulting in duplication of 3 nucleotides in the 5UTR region. This variant was found in 1014/5008 control chromosomes of 1000Gs project at a frequency of 0.2024, which greatly exceeds the maximal expected frequency of a pathogenic allele (0.000017). The variant has been reported as Benign by several reputable databases/clinical laboratories without evidence to independently evaluate. Taking together, based on the prevalence in the general population, the variant was classified as Benign.

Eurofins Ntd Llc (ga)
Classification: Benign. Last evaluated: 2016-02-25. Review status: criteria provided, single submitter. Criteria: EGL Classification Definitions. Collection method: clinical testing. Allele origin: germline. Observed: 2 variant alleles, 2 heterozygotes.

GeneDx
Classification: Benign. Last evaluated: 2015-03-03. Review status: criteria provided, single submitter. Criteria: GeneDx Variant Classification Process June 2021. Collection method: clinical testing. Allele origin: germline. Affected: yes.

PreventionGenetics, part of Exact Sciences
Classification: Benign for PTCH1-related condition. Last evaluated: 2024-05-08. Review status: no assertion criteria provided. Collection method: clinical testing. Allele origin: germline. Not counted in ClinVar's aggregate classification.
Comment: This variant is classified as benign based on ACMG/AMP sequence variant interpretation guidelines (Richards et al. 2015 PMID: 25741868, with internal and published modifications).

Clinical Genetics Laboratory, Department of Pathology, Netherlands Cancer Institute
Classification: Likely benign. Review status: no assertion criteria provided. Collection method: clinical testing. Allele origin: germline. Affected: yes. Study: VKGL Data-share Consensus. Not counted in ClinVar's aggregate classification.

Joint Genome Diagnostic Labs from Nijmegen and Maastricht, Radboudumc and MUMC+
Classification: Likely benign. Review status: no assertion criteria provided. Collection method: clinical testing. Allele origin: germline. Affected: yes. Study: VKGL Data-share Consensus. Not counted in ClinVar's aggregate classification.

Quest Diagnostics Nichols Institute San Juan Capistrano
Classification: Benign. Last evaluated: 2021-05-24. Review status: flagged submission. Criteria: Quest Diagnostics criteria. Collection method: clinical testing. Allele origin: unknown. Not counted in ClinVar's aggregate classification.
ClinVar note: Reason: This record appears to be redundant with a more recent record from the same submitter.
ClinVar note: Notes: SCV002047135 appears to be redundant with SCV002773923.